The following is an entry in ClinVar:

NM_002234.4(KCNA5):c.795C>G (p.Ile265Met)

Gene: KCNA5 (potassium voltage-gated channel subfamily A member 5; plus strand). Cytogenetic location: 12p13.32.
Variant type: single nucleotide variant.
Coding change: c.795C>G on transcript NM_002234.4 (MANE Select); coding-DNA position 795, C replaced by G.
Protein change: p.Ile265Met; replaces isoleucine 265 with methionine.
Molecular consequence: missense variant.
Genome position (GRCh38, 1-based): chr12:5,044,942, C>G. VCF-style: chr12-5044942-C-G. GRCh37 (hg19) VCF-style: chr12-5154108-C-G.
Other names: short protein forms I265M.
Identifiers: ClinVar variation 1500059 (VCV001500059.8), dbSNP rs777853815, ClinGen allele CA383465173.

ClinVar aggregate classification (germline): Uncertain significance (1 of 4 stars; one submission).

Conditions:
Atrial fibrillation, familial, 7 (ATFB7). Identifiers: MedGen C2677106, MONDO:0012828, OMIM 612240.

Submission:

Labcorp Genetics (formerly Invitae), Labcorp
Classification: Uncertain significance for Atrial fibrillation, familial, 7. Last evaluated: 2020-11-15. Review status: criteria provided, single submitter. Criteria: Invitae Variant Classification Sherloc (09022015). Collection method: clinical testing. Allele origin: germline.
Comment: This sequence change replaces isoleucine with methionine at codon 265 of the KCNA5 protein (p.Ile265Met). The isoleucine residue is highly conserved and there is a small physicochemical difference between isoleucine and methionine. This variant is not present in population databases (ExAC no frequency). This variant has not been reported in the literature in individuals with KCNA5-related conditions. Algorithms developed to predict the effect of missense changes on protein structure and function are either unavailable or do not agree on the potential impact of this missense change (SIFT: "Deleterious"; PolyPhen-2: "Possibly Damaging"; Align-GVGD: "Class C0"). In summary, the available evidence is currently insufficient to determine the role of this variant in disease. Therefore, it has been classified as a Variant of Uncertain Significance.